The following is an entry in ClinVar:

ClinVar aggregate classification (germline): Uncertain significance (1 of 4 stars; one submission).

Conditions:
Ataxia-telangiectasia syndrome (AT). Also called: Ataxia-telangiectasia; LOUIS-BAR SYNDROME; Ataxia-telangiectasia, complementation group D; AT, COMPLEMENTATION GROUP C; ATAXIA-TELANGIECTASIA, COMPLEMENTATION GROUP A; ATAXIA-TELANGIECTASIA, FRESNO VARIANT. Identifiers: Orphanet 100, MedGen C0004135, MONDO:0008840, OMIM 208900.

Submission:

Labcorp Genetics (formerly Invitae), Labcorp
Classification: Uncertain significance for Ataxia-telangiectasia syndrome. Last evaluated: 2021-10-23. Review status: criteria provided, single submitter. Criteria: Invitae Variant Classification Sherloc (09022015). Collection method: clinical testing. Allele origin: germline.
Comment: This sequence change replaces asparagine with aspartic acid at codon 2782 of the ATM protein (p.Asn2782Asp). The asparagine residue is moderately conserved and there is a small physicochemical difference between asparagine and aspartic acid. This variant is not present in population databases (ExAC no frequency). This variant has not been reported in the literature in individuals affected with ATM-related conditions. Algorithms developed to predict the effect of missense changes on protein structure and function (SIFT, PolyPhen-2, Align-GVGD) all suggest that this variant is likely to be tolerated. In summary, the available evidence is currently insufficient to determine the role of this variant in disease. Therefore, it has been classified as a Variant of Uncertain Significance.

NM_000051.4(ATM):c.8344A>G (p.Asn2782Asp)

Genes: ATM (ATM serine/threonine kinase; plus strand), C11orf65 (chromosome 11 open reading frame 65; minus strand). Cytogenetic location: 11q22.3.
Variant type: single nucleotide variant.
Coding change: c.8344A>G on transcript NM_000051.4 (MANE Select); coding-DNA position 8344, A replaced by G.
Protein change: p.Asn2782Asp; replaces asparagine 2782 with aspartic acid.
Molecular consequence: missense variant. On other transcripts: intron variant (2).
Genome position (GRCh38, 1-based): chr11:108,343,297, A>G. VCF-style: chr11-108343297-A-G. GRCh37 (hg19) VCF-style: chr11-108214024-A-G.
Other names: c.8344A>G, p.Asn2782Asp (NM_001351834.2); c.641-34226T>C (NM_001330368.2); c.695-8005T>C (NM_001351110.2); short protein forms N2782D.
Identifiers: ClinVar variation 1388884 (VCV001388884.7), dbSNP rs2136947170, ClinGen allele CA382516463.